The following is an entry in ClinVar:

NM_032119.4(ADGRV1):c.15818C>T (p.Ala5273Val)

Gene: ADGRV1 (adhesion G protein-coupled receptor V1; plus strand). Cytogenetic location: 5q14.3.
Variant type: single nucleotide variant.
Coding change: c.15818C>T on transcript NM_032119.4 (MANE Select); coding-DNA position 15818, C replaced by T.
Protein change: p.Ala5273Val; replaces alanine 5273 with valine.
Molecular consequence: missense variant. On other transcripts: non-coding transcript variant (1).
Genome position (GRCh38, 1-based): chr5:90,811,078, C>T. VCF-style: chr5-90811078-C-T. GRCh37 (hg19) VCF-style: chr5-90106895-C-T.
Other names: short protein forms A5273V.
Identifiers: ClinVar variation 1443289 (VCV001443289.8), dbSNP rs766812068, ClinGen allele CA3341983.

ClinVar aggregate classification (germline): Uncertain significance (1 of 4 stars; one submission).

Allele frequency attached by ClinVar (database versions not stated): ExAC 0.00001; gnomAD exomes 0.00001.
gnomAD v4.1: 3 of 1,613,946 alleles (0.00019%); highest among the groups gnomAD compares: Admixed American, 0.005%; no homozygotes.

Submission:

Labcorp Genetics (formerly Invitae), Labcorp
Classification: Uncertain significance. Last evaluated: 2023-10-13. Review status: criteria provided, single submitter. Criteria: Invitae Variant Classification Sherloc (09022015). Collection method: clinical testing. Allele origin: germline.
Comment: This sequence change replaces alanine, which is neutral and non-polar, with valine, which is neutral and non-polar, at codon 5273 of the ADGRV1 protein (p.Ala5273Val). This variant is present in population databases (rs766812068, gnomAD 0.009%). This variant has not been reported in the literature in individuals affected with ADGRV1-related conditions. ClinVar contains an entry for this variant (Variation ID: 1443289). Algorithms developed to predict the effect of missense changes on protein structure and function output the following: SIFT: "Not Available"; PolyPhen-2: "Benign"; Align-GVGD: "Not Available". The valine amino acid residue is found in multiple mammalian species, which suggests that this missense change does not adversely affect protein function. In summary, the available evidence is currently insufficient to determine the role of this variant in disease. Therefore, it has been classified as a Variant of Uncertain Significance.